The following is an entry in ClinVar:

NM_170754.4(TNS2):c.2761A>G (p.Lys921Glu)

Gene: TNS2 (tensin 2; plus strand). Cytogenetic location: 12q13.13.
Variant type: single nucleotide variant.
Coding change: c.2761A>G on transcript NM_170754.4 (MANE Select); coding-DNA position 2761, A replaced by G.
Protein change: p.Lys921Glu; replaces lysine 921 with glutamic acid.
Molecular consequence: missense variant.
Genome position (GRCh38, 1-based): chr12:53,060,548, A>G. VCF-style: chr12-53060548-A-G. GRCh37 (hg19) VCF-style: chr12-53454332-A-G.
Other names: c.2761A>G, p.Lys921Glu (NM_001416202.1); c.2719A>G, p.Lys907Glu (NM_001416203.1); c.2788A>G, p.Lys930Glu (NM_001416204.1); c.2692A>G, p.Lys898Glu (NM_015319.3); c.2389A>G, p.Lys797Glu (NM_198316.2); short protein forms K797E, K898E, K930E, K907E, K921E.
Identifiers: ClinVar variation 4766765 (VCV004766765.1).

ClinVar aggregate classification (germline): Uncertain significance (1 of 4 stars; one submission).

gnomAD v4.1: 3 of 1,613,428 alleles (0.00019%); highest among the groups gnomAD compares: South Asian, 0.0011%; no homozygotes.

Submission:

Labcorp Genetics (formerly Invitae), Labcorp
Classification: Uncertain significance. Last evaluated: 2025-08-24. Review status: criteria provided, single submitter. Criteria: Invitae Variant Classification Sherloc (09022015). Collection method: clinical testing. Allele origin: germline.
Comment: This sequence change replaces lysine, which is basic and polar, with glutamic acid, which is acidic and polar, at codon 931 of the TNS2 protein (p.Lys931Glu). This variant is not present in population databases (gnomAD no frequency). This variant has not been reported in the literature in individuals affected with TNS2-related conditions. An algorithm developed to predict the effect of missense changes on protein structure and function (PolyPhen-2) suggests that this variant is likely to be disruptive. In summary, the available evidence is currently insufficient to determine the role of this variant in disease. Therefore, it has been classified as a Variant of Uncertain Significance.